The following is an entry in ClinVar:

ClinVar aggregate classification (germline): Uncertain significance (1 of 4 stars; one submission).

Conditions:
Combined oxidative phosphorylation defect type 17. Also called: Combined oxidative phosphorylation deficiency 17. Identifiers: Orphanet 369913, MedGen C3809526, MONDO:0014190, OMIM 615440.

Submission:

Labcorp Genetics (formerly Invitae), Labcorp
Classification: Uncertain significance for Combined oxidative phosphorylation defect type 17. Last evaluated: 2021-07-11. Review status: criteria provided, single submitter. Criteria: Invitae Variant Classification Sherloc (09022015). Collection method: clinical testing. Allele origin: germline.
Comment: This variant, c.2375_2380del, results in the deletion of 3 and insertion of 1 amino acid(s) of the ELAC2 protein (p.Ala792_Leu794delinsVal), but otherwise preserves the integrity of the reading frame. This variant is not present in population databases (ExAC no frequency). This variant has not been reported in the literature in individuals affected with ELAC2-related conditions. Experimental studies and prediction algorithms are not available or were not evaluated, and the functional significance of this variant is currently unknown. In summary, the available evidence is currently insufficient to determine the role of this variant in disease. Therefore, it has been classified as a Variant of Uncertain Significance.

NM_018127.7(ELAC2):c.2375_2380del (p.Ala792_Leu794delinsVal)

Gene: ELAC2 (elaC ribonuclease Z 2; minus strand). Cytogenetic location: 17p12.
Variant type: Deletion.
Coding change: c.2375_2380del on transcript NM_018127.7 (MANE Select); coding-DNA positions 2375 to 2380, 6 bases deleted (CGGCCC; older notation c.2375_2380delCGGCCC).
Protein change: p.Ala792_Leu794delinsVal.
Molecular consequence: inframe indel.
Genome position (GRCh38, 1-based): chr17:12,992,919-12,992,924, GGGCCG deleted on the plus strand (CGGCCC on the coding strand, the reverse complement: ELAC2 is on the minus strand). VCF-style (leftmost placement, unchanged base first): chr17-12992918-AGGGCCG-A. GRCh37 (hg19) VCF-style: chr17-12896235-AGGGCCG-A.
Other names: c.2255_2260del, p.Ala752_Leu754delinsVal (NM_001165962.2); c.2372_2377del, p.Ala791_Leu793delinsVal (NM_173717.2).
Identifiers: ClinVar variation 1502425 (VCV001502425.8), dbSNP rs2143540081, ClinGen allele CA2573153041.
Genomic context (GRCh38, chr17:12,992,918, plus strand): 5'-TGGGCCCGCTTCTGCTGAGGCTCCCCATCCTCCAGGCCGCCTGCCAGCTCCCTGGACAGG[AGGGCCG>A]CCCGCACCTGCCGCAGCTCCCGCTTCTCCCTGCGCTCCTCCATCTCCTCGATGTCGCCAG-3'